The following is an entry in ClinVar:

NM_001395656.1(ROBO2):c.1826A>G (p.Asp609Gly)

Gene: ROBO2 (roundabout guidance receptor 2; plus strand). Cytogenetic location: 3p12.3.
Variant type: single nucleotide variant.
Coding change: c.1826A>G on transcript NM_001395656.1 (MANE Select); coding-DNA position 1826, A replaced by G.
Protein change: p.Asp609Gly; replaces aspartic acid 609 with glycine.
Molecular consequence: missense variant.
Genome position (GRCh38, 1-based): chr3:77,565,085, A>G. VCF-style: chr3-77565085-A-G. GRCh37 (hg19) VCF-style: chr3-77614236-A-G.
Other names: c.1862A>G, p.Asp621Gly (NM_001128929.3); c.1826A>G, p.Asp609Gly (NM_001290039.2, NM_001290040.2, NM_001378202.1); c.35A>G, p.Asp12Gly (NM_001290065.2); c.1874A>G, p.Asp625Gly (NM_001378190.1, NM_001378191.1, NM_001378195.1 and 4 more transcripts); c.1895A>G, p.Asp632Gly (NM_001378192.1, NM_001378194.1, NM_001378198.1 and 2 more transcripts); c.1814A>G, p.Asp605Gly (NM_001378193.1, NM_001378197.1, NM_002942.5); c.1883A>G, p.Asp628Gly (NM_001394212.1, NM_001394214.1, NM_001395657.1); c.1814A>G (NM_002942.4); short protein forms D12G, D609G, D632G, D605G, D621G, D625G, D628G.
Identifiers: ClinVar variation 3718442 (VCV003718442.3).

ClinVar aggregate classification (germline): Uncertain significance. Review status: criteria provided, multiple submitters, no conflicts (2 of 4 stars). 2 submissions from 2 submitters: Uncertain significance (2). Last evaluated 2025-02-07.

Conditions:
Inborn genetic diseases. Identifiers: MedGen C0950123, MeSH D030342.

gnomAD v4.1: 197 of 1,613,702 alleles (0.012%); highest among the groups gnomAD compares: Non-Finnish European, 0.016%; no homozygotes.

Submissions (2):

Ambry Genetics
Classification: Uncertain significance for Inborn genetic diseases. Last evaluated: 2025-02-07. Review status: criteria provided, single submitter. Criteria: Ambry Variant Classification Scheme 2023. Collection method: clinical testing. Allele origin: germline.

Labcorp Genetics (formerly Invitae), Labcorp
Classification: Uncertain significance. Last evaluated: 2025-01-13. Review status: criteria provided, single submitter. Criteria: Invitae Variant Classification Sherloc (09022015). Collection method: clinical testing. Allele origin: germline.
Comment: This sequence change replaces aspartic acid, which is acidic and polar, with glycine, which is neutral and non-polar, at codon 605 of the ROBO2 protein (p.Asp605Gly). This variant is present in population databases (rs200111733, gnomAD 0.01%). This variant has not been reported in the literature in individuals affected with ROBO2-related conditions. Invitae Evidence Modeling of protein sequence and biophysical properties (such as structural, functional, and spatial information, amino acid conservation, physicochemical variation, residue mobility, and thermodynamic stability) indicates that this missense variant is not expected to disrupt ROBO2 protein function with a negative predictive value of 95%. In summary, the available evidence is currently insufficient to determine the role of this variant in disease. Therefore, it has been classified as a Variant of Uncertain Significance.